The following is an entry in ClinVar:

NM_000843.4(GRM6):c.40G>T (p.Ala14Ser)

Gene: GRM6 (glutamate metabotropic receptor 6; minus strand). Cytogenetic location: 5q35.3.
Variant type: single nucleotide variant.
Coding change: c.40G>T on transcript NM_000843.4 (MANE Select); coding-DNA position 40, G replaced by T.
Protein change: p.Ala14Ser; replaces alanine 14 with serine.
Molecular consequence: missense variant.
Genome position (GRCh38, 1-based): chr5:178,994,905, C>A on the plus strand (G>T on the coding strand, the complement: GRM6 is on the minus strand). VCF-style: chr5-178994905-C-A. GRCh37 (hg19) VCF-style: chr5-178421906-C-A.
Other names: short protein forms A14S.
Identifiers: ClinVar variation 1053490 (VCV001053490.9), dbSNP rs1158275795, ClinGen allele CA362437190.

ClinVar aggregate classification (germline): Uncertain significance (1 of 4 stars; one submission).

Allele frequency attached by ClinVar (database versions not stated): gnomAD 0.00001.

Submission:

Labcorp Genetics (formerly Invitae), Labcorp
Classification: Uncertain significance. Last evaluated: 2022-02-04. Review status: criteria provided, single submitter. Criteria: Invitae Variant Classification Sherloc (09022015). Collection method: clinical testing. Allele origin: germline.
Comment: This variant is present in population databases (no rsID available, gnomAD 0.007%). In summary, the available evidence is currently insufficient to determine the role of this variant in disease. Therefore, it has been classified as a Variant of Uncertain Significance. Advanced modeling of protein sequence and biophysical properties (such as structural, functional, and spatial information, amino acid conservation, physicochemical variation, residue mobility, and thermodynamic stability) performed at Invitae indicates that this missense variant is not expected to disrupt GRM6 protein function. ClinVar contains an entry for this variant (Variation ID: 1053490). This variant has not been reported in the literature in individuals affected with GRM6-related conditions. This sequence change replaces alanine, which is neutral and non-polar, with serine, which is neutral and polar, at codon 14 of the GRM6 protein (p.Ala14Ser).